The following is an entry in ClinVar:

ClinVar aggregate classification (germline): Benign. Review status: criteria provided, multiple submitters, no conflicts (2 of 4 stars). 4 submissions from 4 submitters: Benign (4). Last evaluated 2026-09-21.

Allele frequency attached by ClinVar (database versions not stated): TOPMed 0.44011; ExAC 0.35043; gnomAD exomes 0.35275 and 0.35114; 1000 Genomes Project 0.36462; gnomAD 0.42363 and 0.43953; 1000 Genomes Project 30x 0.37867; ESP Exome Variant Server 0.44241.
gnomAD v4.1: 577,662 of 1,613,362 alleles (36%); highest among the groups gnomAD compares: African/African-American, 61%; 110,021 homozygotes.

Submissions (4):

Molecular Diagnostic Laboratory for Inherited Cardiovascular Disease, Montreal Heart Institute
Classification: Benign. Last evaluated: 2026-09-21. Review status: criteria provided, single submitter. Criteria: ACMG Guidelines, 2015. Collection method: clinical testing. Allele origin: germline. Affected: no.
Comment: BA1

GeneDx
Classification: Benign. Last evaluated: 2015-03-03. Review status: criteria provided, single submitter. Criteria: GeneDx Variant Classification Process June 2021. Collection method: clinical testing. Allele origin: germline. Affected: yes.

Eurofins Ntd Llc (ga)
Classification: Benign. Last evaluated: 2013-03-18. Review status: criteria provided, single submitter. Criteria: EGL Classification Definitions 2015. Collection method: clinical testing. Allele origin: germline. Observed: 7 variant alleles, 5 heterozygotes, 2 homozygotes.

Breakthrough Genomics
Classification: Benign. Review status: criteria provided, single submitter. Criteria: ACMG Guidelines, 2015. Collection method: not provided. Allele origin: germline. Inheritance: Autosomal dominant inheritance. Affected: yes.

NM_002880.4(RAF1):c.1669-36C>T

Gene: RAF1 (Raf-1 proto-oncogene, serine/threonine kinase; minus strand). Cytogenetic location: 3p25.2.
Variant type: single nucleotide variant.
Coding change: c.1669-36C>T on transcript NM_002880.4 (MANE Select); 36 bases into the intron before coding-DNA position 1669, C replaced by T.
Molecular consequence: intron variant.
Genome position (GRCh38, 1-based): chr3:12,585,017, G>A on the plus strand (C>T on the coding strand, the complement: RAF1 is on the minus strand). VCF-style: chr3-12585017-G-A. GRCh37 (hg19) VCF-style: chr3-12626516-G-A.
Other names: c.1327-36C>T (NM_001354695.3); c.1426-36C>T (NM_001354692.3, NM_001354691.3); c.1486-36C>T (NM_001354694.3); c.1570-36C>T (NM_001354693.3); c.1729-36C>T (NM_001354689.3); c.1669-36C>T (NM_001354690.3).
Identifiers: ClinVar variation 40624 (VCV000040624.10), dbSNP rs3729931, ClinGen allele CA130824.